The following is an entry in ClinVar:

NM_001083962.2(TCF4):c.1481_1482insAA (p.Tyr494Ter)

Gene: TCF4 (transcription factor 4; minus strand). Cytogenetic location: 18q21.2.
Variant type: Insertion.
Coding change: c.1481_1482insAA on transcript NM_001083962.2 (MANE Select); coding-DNA positions 1481 to 1482, AA inserted.
Protein change: p.Tyr494Ter; replaces tyrosine 494 with a stop codon.
Molecular consequence: nonsense.
Genome position: GRCh38 VCF-style: chr18-55234552-G-GTT. GRCh37 (hg19) VCF-style: chr18-52901783-G-GTT.
Other names: c.1787_1788insAA, p.Tyr596Ter (NM_001243226.3); c.1409_1410insAA, p.Tyr470Ter (NM_001243227.2, NM_001306207.1, NM_001348217.1 and 5 more transcripts); c.1499_1500insAA, p.Tyr500Ter (NM_001243228.2); c.1472_1473insAA, p.Tyr491Ter (NM_001243230.2); c.1355_1356insAA, p.Tyr452Ter (NM_001243231.2, NM_001348211.2); c.1268_1269insAA, p.Tyr423Ter (NM_001243232.1, NM_001306208.1); c.1091_1092insAA, p.Tyr364Ter (NM_001243233.2, NM_001330605.3, NM_001348212.2 and 1 more transcripts); c.1001_1002insAA, p.Tyr334Ter (NM_001243234.2, NM_001243235.2, NM_001243236.2 and 1 more transcripts); and 6 more; short protein forms Y334*, Y364*, Y333*, Y452*, Y470*, Y493*, Y500*, Y278*.
Identifiers: ClinVar variation 956641 (VCV000956641.3), dbSNP rs2048818361, ClinGen allele CA1139666093.

ClinVar aggregate classification (germline): Pathogenic (1 of 4 stars; one submission).

Conditions:
Pitt-Hopkins syndrome (PTHS). Also called: ENCEPHALOPATHY, SEVERE EPILEPTIC, WITH AUTONOMIC DYSFUNCTION; MENTAL RETARDATION, SYNDROMAL, WITH INTERMITTENT HYPERVENTILATION. Identifiers: Orphanet 2896, MedGen C1970431, MONDO:0012589, OMIM 610954.

Submission:

Labcorp Genetics (formerly Invitae), Labcorp
Classification: Pathogenic for Pitt-Hopkins syndrome. Last evaluated: 2019-08-25. Review status: criteria provided, single submitter. Criteria: Invitae Variant Classification Sherloc (09022015). Collection method: clinical testing. Allele origin: germline.
Comment: This sequence change creates a premature translational stop signal (p.Tyr494*) in the TCF4 gene. It is expected to result in an absent or disrupted protein product. This variant is not present in population databases (ExAC no frequency). This variant has not been reported in the literature in individuals with TCF4-related conditions. Loss-of-function variants in TCF4 are known to be pathogenic (PMID: 18728071, 22045651). For these reasons, this variant has been classified as Pathogenic.

Literature cited by the submitters: PubMed 18728071; PubMed 22045651.